The following is an entry in ClinVar:

ClinVar aggregate classification (germline): Uncertain significance (1 of 4 stars; one submission).

Conditions:
Ataxia-telangiectasia syndrome (AT). Also called: Cerebello-oculocutaneous telangiectasia; Immunodeficiency with ataxia telangiectasia; Ataxia-telangiectasia, complementation group E; Ataxia-telangiectasia, complementation group D; AT, COMPLEMENTATION GROUP C; ATAXIA-TELANGIECTASIA, COMPLEMENTATION GROUP A. Identifiers: Orphanet 100, MedGen C0004135, MONDO:0008840, OMIM 208900.

Submission:

Labcorp Genetics (formerly Invitae), Labcorp
Classification: Uncertain significance for Ataxia-telangiectasia syndrome. Last evaluated: 2017-11-07. Review status: criteria provided, single submitter. Criteria: Invitae Variant Classification Sherloc (09022015). Collection method: clinical testing. Allele origin: germline.
Comment: In summary, the available evidence is currently insufficient to determine the role of this variant in disease. Therefore, it has been classified as a Variant of Uncertain Significance. This variant, c.6505_6519delCTCTATCCCACACTT, results in the deletion of 5 amino acids of the ATM protein (p.Leu2169_Leu2173del), but otherwise preserves the integrity of the reading frame. This variant is not present in population databases (ExAC no frequency). This variant has not been reported in the literature in individuals with ATM-related disease. Experimental studies and prediction algorithms are not available for this variant, and the functional significance of the deleted amino acids is currently unknown.

NM_000051.4(ATM):c.6505_6519del (p.Leu2169_Leu2173del)

Genes: ATM (ATM serine/threonine kinase; plus strand), C11orf65 (chromosome 11 open reading frame 65; minus strand). Cytogenetic location: 11q22.3.
Variant type: Deletion.
Coding change: c.6505_6519del on transcript NM_000051.4 (MANE Select); coding-DNA positions 6505 to 6519, 15 bases deleted (CTCTATCCCACACTT).
Protein change: p.Leu2169_Leu2173del.
Molecular consequence: inframe deletion. On other transcripts: intron variant (2).
Genome position (GRCh38, 1-based): chr11:108,321,353-108,321,367, CTCTATCCCACACTT deleted. VCF-style (leftmost placement, unchanged base first): chr11-108321352-GCTCTATCCCACACTT-G. GRCh37 (hg19) VCF-style: chr11-108192079-GCTCTATCCCACACTT-G.
Other names: c.6505_6519del, p.Leu2169_Leu2173del (NM_001351834.2); c.641-12296_641-12282del (NM_001330368.2); c.*39-12296_*39-12282del (NM_001351110.2).
Identifiers: ClinVar variation 524260 (VCV000524260.9), dbSNP rs1555117162, ClinGen allele CA658797749.